The following is an entry in ClinVar:

NM_000876.4(IGF2R):c.1586G>A (p.Arg529Gln)

Gene: IGF2R (insulin like growth factor 2 receptor; plus strand). Cytogenetic location: 6q25.3.
Variant type: single nucleotide variant.
Coding change: c.1586G>A on transcript NM_000876.4 (MANE Select); coding-DNA position 1586, G replaced by A.
Protein change: p.Arg529Gln; replaces arginine 529 with glutamine.
Molecular consequence: missense variant.
Genome position (GRCh38, 1-based): chr6:160,043,253, G>A. VCF-style: chr6-160043253-G-A. GRCh37 (hg19) VCF-style: chr6-160464285-G-A.
Other names: short protein forms R529Q.
Identifiers: ClinVar variation 3388794 (VCV003388794.14).

ClinVar aggregate classification (germline): Uncertain significance (1 of 4 stars; one submission).

gnomAD v4.1: 72 of 1,614,122 alleles (0.0045%); highest among the groups gnomAD compares: Admixed American, 0.013%; no homozygotes.

Submission:

CeGaT Center for Human Genetics Tuebingen
Classification: Uncertain significance. Last evaluated: 2024-09-01. Review status: criteria provided, single submitter. Criteria: CeGaT Center For Human Genetics Tuebingen Variant Classification Criteria Version 2. Collection method: clinical testing. Allele origin: germline. Affected: yes. Observed: 1 variant allele.
Comment: IGF2R: PM2, BP4